The following is an entry in ClinVar:

ClinVar aggregate classification (germline): Uncertain significance. Review status: criteria provided, multiple submitters, no conflicts (2 of 4 stars). 3 submissions from 3 submitters: Uncertain significance (3). Last evaluated 2023-06-01.

Conditions:
Congenital myasthenic syndrome 8. Also called: MYASTHENIC SYNDROME, CONGENITAL, DUE TO AGRIN DEFICIENCY; Myasthenic syndrome, congenital, 8, with pre- and postsynaptic defects. Identifiers: Orphanet 590, MedGen C3808739, MONDO:0014052, OMIM 615120.
Inborn genetic diseases. Identifiers: MedGen C0950123, MeSH D030342.

Allele frequency attached by ClinVar (database versions not stated): gnomAD exomes 0.00001; TOPMed 0.00002; gnomAD 0.00003; 1000 Genomes Project 30x 0.00016; 1000 Genomes Project 0.00020.

Submissions (3):

CeGaT Center for Human Genetics Tuebingen
Classification: Uncertain significance. Last evaluated: 2023-06-01. Review status: criteria provided, single submitter. Criteria: CeGaT Center For Human Genetics Tuebingen Variant Classification Criteria Version 2. Collection method: clinical testing. Allele origin: germline. Affected: yes. Observed: 1 variant allele.
Comment: AGRN: PM2

Ambry Genetics
Classification: Uncertain significance for Inborn genetic diseases. Last evaluated: 2023-05-23. Review status: criteria provided, single submitter. Criteria: Ambry Variant Classification Scheme 2023. Collection method: clinical testing. Allele origin: germline.

Labcorp Genetics (formerly Invitae), Labcorp
Classification: Uncertain significance for Congenital myasthenic syndrome 8. Last evaluated: 2022-03-01. Review status: criteria provided, single submitter. Criteria: Invitae Variant Classification Sherloc (09022015). Collection method: clinical testing. Allele origin: germline.
Comment: This sequence change replaces proline, which is neutral and non-polar, with serine, which is neutral and polar, at codon 1817 of the AGRN protein (p.Pro1817Ser). This variant is present in population databases (rs561181323, gnomAD no frequency). This variant has not been reported in the literature in individuals affected with AGRN-related conditions. Algorithms developed to predict the effect of missense changes on protein structure and function are either unavailable or do not agree on the potential impact of this missense change (SIFT: "Deleterious"; PolyPhen-2: "Possibly Damaging"; Align-GVGD: "Class C0"). In summary, the available evidence is currently insufficient to determine the role of this variant in disease. Therefore, it has been classified as a Variant of Uncertain Significance.

NM_198576.4(AGRN):c.5449C>T (p.Pro1817Ser)

Gene: AGRN (agrin; plus strand). Cytogenetic location: 1p36.33.
Variant type: single nucleotide variant.
Coding change: c.5449C>T on transcript NM_198576.4 (MANE Select); coding-DNA position 5449, C replaced by T.
Protein change: p.Pro1817Ser; replaces proline 1817 with serine.
Molecular consequence: missense variant.
Genome position (GRCh38, 1-based): chr1:1,051,531, C>T. VCF-style: chr1-1051531-C-T. GRCh37 (hg19) VCF-style: chr1-986911-C-T.
Other names: c.5461C>T, p.Pro1821Ser (NM_001305275.2); c.5146C>T, p.Pro1716Ser (NM_001364727.2); c.5449C>T (NM_198576.3); short protein forms P1716S, P1817S, P1821S.
Identifiers: ClinVar variation 1397801 (VCV001397801.33), dbSNP rs561181323, ClinGen allele CA510037.